The following is an entry in ClinVar:

ClinVar aggregate classification (germline): Pathogenic (1 of 4 stars; one submission).

Conditions:
Townes syndrome (TBS). Also called: Townes-Brocks syndrome. Identifiers: Orphanet 857, MedGen C0265246, MeSH C536974, MONDO:0007142.

Submission:

Labcorp Genetics (formerly Invitae), Labcorp
Classification: Pathogenic for Townes syndrome. Last evaluated: 2016-10-03. Review status: criteria provided, single submitter. Criteria: Invitae Variant Classification Sherloc (09022015). Collection method: clinical testing. Allele origin: germline.
Comment: For these reasons, this variant has been classified as Pathogenic. This sequence change deletes 1 nucleotide from exon 2 of the SALL1 mRNA (c.2256delC), causing a frameshift at codon 753. This creates a premature translational stop signal (p.Tyr753Thrfs*69) and is expected to result in an absent or disrupted protein product. Loss-of-function variants in SALL1 are known to be pathogenic. This particular variant has been reported in the literature in an individual affected with Townes-Brocks syndrome (PMID: 17221874).

Literature cited by the submitters: PubMed 17221874.

NM_002968.3(SALL1):c.2256del (p.Tyr753fs)

Gene: SALL1 (spalt like transcription factor 1; minus strand). Cytogenetic location: 16q12.1.
Variant type: Deletion.
Coding change: c.2256del on transcript NM_002968.3 (MANE Select); coding-DNA position 2256, one base deleted (C; older notation c.2256delC).
Protein change: p.Tyr753fs; shifts the reading frame from tyrosine 753.
Molecular consequence: frameshift variant.
Genome position (GRCh38, 1-based): chr16:51,139,966, G deleted on the plus strand (C on the coding strand, the reverse complement: SALL1 is on the minus strand). VCF-style (leftmost placement, unchanged base first): chr16-51139965-AG-A. GRCh37 (hg19) VCF-style: chr16-51173876-AG-A.
Other names: c.1965del, p.Tyr656fs (NM_001127892.2); c.2256delC (NM_002968.2); short protein forms Y656fs, Y753fs.
Identifiers: ClinVar variation 459258 (VCV000459258.9), dbSNP rs1555475120, ClinGen allele CA658658469.
Genomic context (GRCh38, chr16:51,139,965, plus strand): 5'-TCTGGCAGATGGGGCAGGAATGCTGGACTCTGAGCGGGGGCATAGCACGATGGACACTGT[AG>A]TGGGTTTTAAGATTCCCTTTCGTGGTGAAAGCCCGGCCACAGATCTTACACTTAAAGGGC-3'